The following is an entry in ClinVar:

ClinVar aggregate classification (germline): Uncertain significance (1 of 4 stars; one submission).

Submission:

Labcorp Genetics (formerly Invitae), Labcorp
Classification: Uncertain significance. Last evaluated: 2024-04-05. Review status: criteria provided, single submitter. Criteria: Invitae Variant Classification Sherloc (09022015). Collection method: clinical testing. Allele origin: germline.
Comment: This sequence change replaces aspartic acid, which is acidic and polar, with valine, which is neutral and non-polar, at codon 1068 of the COL4A1 protein (p.Asp1068Val). This variant is not present in population databases (gnomAD no frequency). This variant has not been reported in the literature in individuals affected with COL4A1-related conditions. ClinVar contains an entry for this variant (Variation ID: 2002694). An algorithm developed to predict the effect of missense changes on protein structure and function (PolyPhen-2) suggests that this variant is likely to be disruptive. In summary, the available evidence is currently insufficient to determine the role of this variant in disease. Therefore, it has been classified as a Variant of Uncertain Significance.

NM_001845.6(COL4A1):c.3203A>T (p.Asp1068Val)

Gene: COL4A1 (collagen type IV alpha 1 chain; minus strand). Cytogenetic location: 13q34.
Variant type: single nucleotide variant.
Coding change: c.3203A>T on transcript NM_001845.6 (MANE Select); coding-DNA position 3203, A replaced by T.
Protein change: p.Asp1068Val; replaces aspartic acid 1068 with valine.
Molecular consequence: missense variant.
Genome position (GRCh38, 1-based): chr13:110,174,745, T>A on the plus strand (A>T on the coding strand, the complement: COL4A1 is on the minus strand). VCF-style: chr13-110174745-T-A. GRCh37 (hg19) VCF-style: chr13-110827092-T-A.
Other names: short protein forms D1068V.
Identifiers: ClinVar variation 2002694 (VCV002002694.4), dbSNP rs2501771246, ClinGen allele CA388664810.